The following is an entry in ClinVar:

NM_005477.3(HCN4):c.1643G>A (p.Arg548Gln)

Gene: HCN4 (hyperpolarization activated cyclic nucleotide gated potassium channel 4; minus strand). Cytogenetic location: 15q24.1.
Variant type: single nucleotide variant.
Coding change: c.1643G>A on transcript NM_005477.3 (MANE Select); coding-DNA position 1643, G replaced by A.
Protein change: p.Arg548Gln; replaces arginine 548 with glutamine.
Molecular consequence: missense variant.
Genome position (GRCh38, 1-based): chr15:73,325,392, C>T on the plus strand (G>A on the coding strand, the complement: HCN4 is on the minus strand). VCF-style: chr15-73325392-C-T. GRCh37 (hg19) VCF-style: chr15-73617733-C-T.
Other names: short protein forms R548Q.
Identifiers: ClinVar variation 3715082 (VCV003715082.2).
Genomic context (GRCh38, chr15:73,325,392, plus strand): 5'-CTCTCCTCGTCGAACATCTTGCCCTGGTAGCGGTGCTCGTAGTAGTCGTGGATGCGCTGC[C>T]GGGTGTCGGGCGGGAGCTTGTGAAAGGACATGTACTGCTCCACCTGCTTGTACTGAGGCC-3'
Protein context (NP_005468.1, residues 538-558): MSFHKLPPDT[Arg548Gln]QRIHDYYEHR

ClinVar aggregate classification (germline): Uncertain significance (1 of 4 stars; one submission).

Conditions:
Brugada syndrome 8 (BRGDA8). Identifiers: Orphanet 130, MedGen C2751083, MONDO:0013148, OMIM 613123.

gnomAD v4.1: 7 of 1,614,102 alleles (0.00043%); highest among the groups gnomAD compares: South Asian, 0.0022%; no homozygotes.

Submission:

Labcorp Genetics (formerly Invitae), Labcorp
Classification: Uncertain significance for Brugada syndrome 8. Last evaluated: 2024-12-03. Review status: criteria provided, single submitter. Criteria: Invitae Variant Classification Sherloc (09022015). Collection method: clinical testing. Allele origin: germline.
Comment: This sequence change replaces arginine, which is basic and polar, with glutamine, which is neutral and polar, at codon 548 of the HCN4 protein (p.Arg548Gln). This variant is not present in population databases (gnomAD no frequency). This variant has not been reported in the literature in individuals affected with HCN4-related conditions. Invitae Evidence Modeling of protein sequence and biophysical properties (such as structural, functional, and spatial information, amino acid conservation, physicochemical variation, residue mobility, and thermodynamic stability) indicates that this missense variant is expected to disrupt HCN4 protein function with a positive predictive value of 95%. In summary, the available evidence is currently insufficient to determine the role of this variant in disease. Therefore, it has been classified as a Variant of Uncertain Significance.